The following is an entry in ClinVar:

ClinVar aggregate classification (germline): Conflicting classifications of pathogenicity. Review status: criteria provided, conflicting classifications (1 of 4 stars). 2 submissions from 2 submitters: Uncertain significance (1); Likely benign (1). Last evaluated 2026-03-25.

Allele frequency attached by ClinVar (database versions not stated): ExAC 0.00001.

Submissions (2):

Dasa
Classification: Uncertain significance. Last evaluated: 2026-03-25. Review status: criteria provided, single submitter. Criteria: DASA Assertion Criteria. Collection method: clinical testing. Allele origin: germline.
Comment: NM_001374828.1(ARID1B):c.5614G>A (p.Glu1872Lys) is a missense variant that results in the substitution of glutamic acid with lysine. This variant is rare in population databases. Computational prediction algorithms are consistent with a benign effect. The currently available literature and clinical evidence are not sufficient to establish a definitive association between this variant and the reported condition. Therefore, this variant is classified as a variant of uncertain significance.

Labcorp Genetics (formerly Invitae), Labcorp
Classification: Likely benign. Last evaluated: 2025-07-14. Review status: criteria provided, single submitter. Criteria: Invitae Variant Classification Sherloc (09022015). Collection method: clinical testing. Allele origin: germline.

NM_001374828.1(ARID1B):c.5614G>A (p.Glu1872Lys)

Gene: ARID1B (AT-rich interaction domain 1B; plus strand). Cytogenetic location: 6q25.3.
Variant type: single nucleotide variant.
Coding change: c.5614G>A on transcript NM_001374828.1 (MANE Select); coding-DNA position 5614, G replaced by A.
Protein change: p.Glu1872Lys; replaces glutamic acid 1872 with lysine.
Molecular consequence: missense variant.
Genome position (GRCh38, 1-based): chr6:157,206,386, G>A. VCF-style: chr6-157206386-G-A. GRCh37 (hg19) VCF-style: chr6-157527520-G-A.
Other names: c.5365G>A, p.Glu1789Lys (NM_001346813.1); c.3115G>A, p.Glu1039Lys (NM_001363725.2); c.5494G>A, p.Glu1832Lys (NM_001371656.1, NM_001374820.1); c.5455G>A, p.Glu1819Lys (NM_017519.3); c.5245G>A, p.Glu1749Lys (NM_020732.3); c.5032G>A, p.Glu1678Lys (NM_175863.2); short protein forms E1749K, E1789K, E1832K, E1678K, E1819K, E1872K, E1039K.
Identifiers: ClinVar variation 1961047 (VCV001961047.7), dbSNP rs751827621, ClinGen allele CA4067870.